The following is an entry in ClinVar:

ClinVar aggregate classification (germline): Uncertain significance (1 of 4 stars; one submission).

Conditions:
Hereditary cancer-predisposing syndrome. Also called: Tumor predisposition; Hereditary Cancer Syndrome; Hereditary neoplastic syndrome; Neoplastic Syndromes, Hereditary. Identifiers: Orphanet 140162, MedGen C0027672, MeSH D009386, MONDO:0015356.

Submission:

Ambry Genetics
Classification: Uncertain significance for Hereditary cancer-predisposing syndrome. Last evaluated: 2023-09-06. Review status: criteria provided, single submitter. Criteria: Ambry Variant Classification Scheme 2023. Collection method: clinical testing. Allele origin: germline.
Comment: The p.L234P variant (also known as c.701T>C), located in coding exon 3 of the XRCC2 gene, results from a T to C substitution at nucleotide position 701. The leucine at codon 234 is replaced by proline, an amino acid with similar properties. This amino acid position is conserved. In addition, this alteration is predicted to be tolerated by in silico analysis. Since supporting evidence is limited at this time, the clinical significance of this alteration remains unclear.

NM_005431.2(XRCC2):c.701T>C (p.Leu234Pro)

Gene: XRCC2 (X-ray repair cross complementing 2; minus strand). Cytogenetic location: 7q36.1.
Variant type: single nucleotide variant.
Coding change: c.701T>C on transcript NM_005431.2 (MANE Select); coding-DNA position 701, T replaced by C.
Protein change: p.Leu234Pro; replaces leucine 234 with proline.
Molecular consequence: missense variant.
Genome position (GRCh38, 1-based): chr7:152,648,784, A>G on the plus strand (T>C on the coding strand, the complement: XRCC2 is on the minus strand). VCF-style: chr7-152648784-A-G. GRCh37 (hg19) VCF-style: chr7-152345869-A-G.
Other names: short protein forms L234P.
Identifiers: ClinVar variation 2625108 (VCV002625108.2), dbSNP rs2485880457, ClinGen allele CA370198133.